The following is an entry in ClinVar:

NM_003079.5(SMARCE1):c.487C>G (p.Arg163Gly)

Gene: SMARCE1 (SWI/SNF related BAF chromatin remodeling complex subunit E1; minus strand). Cytogenetic location: 17q21.2.
Variant type: single nucleotide variant.
Coding change: c.487C>G on transcript NM_003079.5 (MANE Select); coding-DNA position 487, C replaced by G.
Protein change: p.Arg163Gly; replaces arginine 163 with glycine.
Molecular consequence: missense variant.
Genome position (GRCh38, 1-based): chr17:40,635,985, G>C on the plus strand (C>G on the coding strand, the complement: SMARCE1 is on the minus strand). VCF-style: chr17-40635985-G-C. GRCh37 (hg19) VCF-style: chr17-38792237-G-C.
Other names: short protein forms R163G.
Identifiers: ClinVar variation 4550365 (VCV004550365.1).

ClinVar aggregate classification (germline): Uncertain significance (1 of 4 stars; one submission).

Conditions:
Hereditary cancer-predisposing syndrome. Also called: Tumor predisposition; Hereditary Cancer Syndrome; Hereditary neoplastic syndrome; Neoplastic Syndromes, Hereditary. Identifiers: Orphanet 140162, MedGen C0027672, MeSH D009386, MONDO:0015356.

Submission:

Ambry Genetics
Classification: Uncertain significance for Hereditary cancer-predisposing syndrome. Last evaluated: 2025-11-09. Review status: criteria provided, single submitter. Criteria: Ambry Variant Classification Scheme 2023. Collection method: clinical testing. Allele origin: germline.
Comment: The p.R163G variant (also known as c.487C>G), located in coding exon 6 of the SMARCE1 gene, results from a C to G substitution at nucleotide position 487. The arginine at codon 163 is replaced by glycine, an amino acid with dissimilar properties. This amino acid position is conserved. In addition, the in silico prediction for this alteration is inconclusive. Based on the available evidence, the clinical significance of this variant remains unclear.